The following is an entry in ClinVar:

ClinVar aggregate classification (germline): Conflicting classifications of pathogenicity. Review status: criteria provided, conflicting classifications (1 of 4 stars). 6 submissions from 6 submitters: Pathogenic (3); Likely pathogenic (1); Uncertain significance (1). 1 of the submissions does not count toward it. Last evaluated 2026-01-19.

Conditions:
Cardiovascular phenotype. Identifiers: MedGen CN230736.
RASopathy. Also called: Noonan spectrum disorder; rasopathies. Identifiers: Orphanet 536391, MedGen C5555857, MONDO:0021060.
Noonan syndrome (NS). Also called: Noonan's syndrome. Identifiers: Orphanet 648, MedGen C0028326, MeSH D009634, MONDO:0018997. Disease mechanism: gain of function.
Noonan syndrome 5 (NS5). Also called: RAF1-Related Noonan Syndrome. Identifiers: Orphanet 648, MedGen C1969057, MONDO:0012690, OMIM 611553. Disease mechanism: gain of function.

Submissions (6):

Labcorp Genetics (formerly Invitae), Labcorp
Classification: Uncertain significance for RASopathy. Last evaluated: 2026-01-19. Review status: criteria provided, single submitter. Criteria: Invitae Variant Classification Sherloc (09022015). Collection method: clinical testing. Allele origin: germline.
Comment: This sequence change replaces histidine, which is basic and polar, with arginine, which is basic and polar, at codon 175 of the RAF1 protein (p.His175Arg). This variant is not present in population databases (gnomAD no frequency). This missense change has been observed in individual(s) with clinical features of RAF1-related conditions (PMID: 33673806, 39039281). ClinVar contains an entry for this variant (Variation ID: 40594). Invitae Evidence Modeling incorporating data from in vitro experimental studies (internal data) indicates that this missense variant is expected to disrupt RAF1 function with a positive predictive value of 95%. In summary, the available evidence is currently insufficient to determine the role of this variant in disease. Therefore, it has been classified as a Variant of Uncertain Significance.

GeneDx
Classification: Pathogenic. Last evaluated: 2023-10-16. Review status: criteria provided, single submitter. Criteria: GeneDx Variant Classification Process June 2021. Collection method: clinical testing. Allele origin: germline. Affected: yes.
Comment: Not observed in large population cohorts (gnomAD); In silico analysis, which includes protein predictors and evolutionary conservation, supports that this variant does not alter protein structure/function; The majority of missense variants in this gene are considered pathogenic (HGMD); This variant is associated with the following publications: (PMID: 33673806)

Ambry Genetics
Classification: Likely pathogenic for Cardiovascular phenotype. Last evaluated: 2023-09-14. Review status: criteria provided, single submitter. Criteria: Ambry General Variant Classification Scheme_2022. Collection method: clinical testing. Allele origin: germline.
Comment: The p.H175R variant (also known as c.524A>G), located in coding exon 4 of the RAF1 gene, results from an A to G substitution at nucleotide position 524. The histidine at codon 175 is replaced by arginine, an amino acid with highly similar properties. This variant has been reported to occur de novo in a case with features consistent with Noonan syndrome (NS), and has been reported to segregate with features consistent with NS in a family (external communication). This variant has also been detected in a cohort referred for hypertrophic cardiomyopathy genetic testing; however, details were limited (Hathaway J et al. BMC Cardiovasc Disord. 2021 Mar;21(1):126). This variant is considered to be rare based on population cohorts in the Genome Aggregation Database (gnomAD). This amino acid position is well conserved in available vertebrate species. In addition, this alteration is predicted to be tolerated by in silico analysis. Based on the majority of available evidence to date, this variant is likely to be pathogenic.

Institute of Human Genetics Munich, TUM University Hospital
Classification: Pathogenic for Noonan syndrome 5. Last evaluated: 2020-05-29. Review status: criteria provided, single submitter. Criteria: Classification criteria August 2017. Collection method: clinical testing. Allele origin: de novo. Inheritance: Autosomal dominant inheritance. Affected: yes. Observed: 1 heterozygote.

Laboratory for Molecular Medicine, Mass General Brigham Personalized Medicine
Classification: Pathogenic for Noonan syndrome. Last evaluated: 2013-05-23. Review status: criteria provided, single submitter. Criteria: LMM Criteria. Collection method: clinical testing. Allele origin: germline. Inheritance: Autosomal dominant inheritance. Observed: 5 variant alleles.
Comment: The His175Arg variant in the RAF1 gene has not been previously reported in the l iterature. In addit ion, this variant has been found to segregate with clinical features consistent with Noonan syndrome in four individuals in one family tested by our laboratory. The His175Arg variant has not been identified in large, ethnically-distinct pop ulations by the NHLBI Exome Sequencing Project. Computational analyses (biochemical amino acid properties, conservation, Ali gnGVGD, PolyPhen2, and SIFT) suggest this variant may not impact the protein, th ough this information is not predictive enough to rule out pathogenicity. In sum mary, this variant meets our criteria to be classified as pathogenic based on it s de novo occurrence.

Service de Génétique Moléculaire, Hôpital Robert Debré
Classification: Likely pathogenic for Noonan syndrome. Review status: no assertion criteria provided. Collection method: clinical testing. Allele origin: de novo. Affected: yes. Not counted in ClinVar's aggregate classification.

Literature cited by the submitters: PubMed 33673806 (cited by Labcorp Genetics (formerly Invitae), Labcorp and Ambry Genetics); PubMed 39039281 (cited by Labcorp Genetics (formerly Invitae), Labcorp).

NM_002880.4(RAF1):c.524A>G (p.His175Arg)

Gene: RAF1 (Raf-1 proto-oncogene, serine/threonine kinase; minus strand). Cytogenetic location: 3p25.2.
Variant type: single nucleotide variant.
Coding change: c.524A>G on transcript NM_002880.4 (MANE Select); coding-DNA position 524, A replaced by G.
Protein change: p.His175Arg; replaces histidine 175 with arginine.
Molecular consequence: missense variant. On other transcripts: non-coding transcript variant (3).
Genome position (GRCh38, 1-based): chr3:12,608,823, T>C on the plus strand (A>G on the coding strand, the complement: RAF1 is on the minus strand). VCF-style: chr3-12608823-T-C. GRCh37 (hg19) VCF-style: chr3-12650322-T-C.
Other names: c.524A>G, p.His175Arg (NM_001354689.3, NM_001354690.3, NM_001354693.3); c.281A>G, p.His94Arg (NM_001354691.3, NM_001354692.3, NM_001354694.3 and 1 more transcripts); short protein forms H175R, H94R.
Identifiers: ClinVar variation 40594 (VCV000040594.21), dbSNP rs397516822, ClinGen allele CA261614.